The following is an entry in ClinVar:

NM_000321.3(RB1):c.1310del (p.Gly437fs)

Gene: RB1 (RB transcriptional corepressor 1; plus strand). Cytogenetic location: 13q14.2.
Variant type: Deletion.
Coding change: c.1310del on transcript NM_000321.3 (MANE Select); coding-DNA position 1310, one base deleted (G; older notation c.1310delG).
Protein change: p.Gly437fs; shifts the reading frame from glycine 437.
Molecular consequence: frameshift variant.
Genome position (GRCh38, 1-based): chr13:48,377,012, G deleted; the last of 3 consecutive G bases (chr13:48,377,010-48,377,012); deleting any one gives the same sequence. VCF-style (leftmost placement, unchanged base first): chr13-48377009-AG-A. GRCh37 (hg19) VCF-style: chr13-48951145-AG-A.
Other names: c.1310del, p.Gly437fs (NM_001407165.1, NM_001407166.1); short protein forms G437fs.
Identifiers: ClinVar variation 4710786 (VCV004710786.2).

ClinVar aggregate classification (germline): Pathogenic. Review status: criteria provided, multiple submitters, no conflicts (2 of 4 stars). 2 submissions from 2 submitters: Pathogenic (2). Last evaluated 2025-12-31.

Conditions:
Retinoblastoma (RB1). Also called: RETINOBLASTOMA, SOMATIC. Identifiers: Orphanet 790, MedGen C0035335, MeSH D012175, MONDO:0008380, OMIM 180200, HP:0009919. Disease mechanism: loss of function. Inheritance: Both sporadic and heritable forms are tested..

Submissions (2):

Labcorp Genetics (formerly Invitae), Labcorp
Classification: Pathogenic for Retinoblastoma. Last evaluated: 2025-12-31. Review status: criteria provided, single submitter. Criteria: Invitae Variant Classification Sherloc (09022015). Collection method: clinical testing. Allele origin: germline.
Comment: This sequence change creates a premature translational stop signal (p.Gly437Valfs*20) in the RB1 gene. It is expected to result in an absent or disrupted protein product. Loss-of-function variants in RB1 are known to be pathogenic (PMID: 17096365). This variant is not present in population databases (gnomAD no frequency). This premature translational stop signal has been observed in individual(s) with retinoblastoma (PMID: 31772335). For these reasons, this variant has been classified as Pathogenic.

Variantyx, Inc.
Classification: Pathogenic for Retinoblastoma. Last evaluated: 2025-09-15. Review status: criteria provided, single submitter. Criteria: Variantyx Assertion Criteria 2022. Collection method: clinical testing. Allele origin: germline. Inheritance: Autosomal dominant inheritance. Affected: yes.
Comment: This is a frameshift variant in the RB1 gene (OMIM: 614041). Pathogenic variants in this gene have been associated with autosomal dominant Retinoblastoma. This variant introduces a premature termination codon in exon 13 out of 27 and is expected to result in loss of function, which is a known disease mechanism for RB1 in this disorder [PMID: 24225018, 25928201]. (PVS1) This variant is absent from control populations (PM2). Based on the current evidence, this variant is classified as pathogenic for autosomal dominant Retinoblastoma.

Literature cited by the submitters: PubMed 17096365 (cited by Labcorp Genetics (formerly Invitae), Labcorp); PubMed 31772335 (cited by Labcorp Genetics (formerly Invitae), Labcorp); PubMed 25928201 (cited by Variantyx, Inc.); PubMed 24225018 (cited by Variantyx, Inc.).